The following is an entry in ClinVar:

NM_004539.4(NARS1):c.626G>T (p.Gly209Val)

Gene: NARS1 (asparaginyl-tRNA synthetase 1; minus strand). Cytogenetic location: 18q21.31.
Variant type: single nucleotide variant.
Coding change: c.626G>T on transcript NM_004539.4 (MANE Select); coding-DNA position 626, G replaced by T.
Protein change: p.Gly209Val; replaces glycine 209 with valine.
Molecular consequence: missense variant.
Genome position (GRCh38, 1-based): chr18:57,607,619, C>A on the plus strand (G>T on the coding strand, the complement: NARS1 is on the minus strand). VCF-style: chr18-57607619-C-A. GRCh37 (hg19) VCF-style: chr18-55274851-C-A.
Other names: short protein forms G209V.
Identifiers: ClinVar variation 3360697 (VCV003360697.1).
Genomic context (GRCh38, chr18:57,607,619, plus strand): 5'-TGGACATCAACGTCAGACTCCTCATTGATCAGGTTGTCAGCTCCTCCAGCAGGGGCCAAC[C>A]CAATTAGTTCCCAGAAGTCACAACTCAGCTCATGGCCACCTGGAGCCTGCATTTTTTAAA-3'
Protein context (NP_004530.1, residues 199-219): ELSCDFWELI[Gly209Val]LAPAGGADNL

ClinVar aggregate classification (germline): Uncertain significance (1 of 4 stars; one submission).

Submission:

GeneDx
Classification: Uncertain significance. Last evaluated: 2023-06-30. Review status: criteria provided, single submitter. Criteria: GeneDx Variant Classification Process June 2021. Collection method: clinical testing. Allele origin: germline. Affected: yes.
Comment: Not observed at significant frequency in large population cohorts (gnomAD); In silico analysis supports that this missense variant has a deleterious effect on protein structure/function; Has not been previously published as pathogenic or benign to our knowledge